The following is an entry in ClinVar:

ClinVar aggregate classification (germline): Uncertain significance (1 of 4 stars; one submission).

Allele frequency attached by ClinVar (database versions not stated): gnomAD exomes below 0.00001.
gnomAD v4.1: 1 of 1,614,146 alleles (0.000062%); highest among the groups gnomAD compares: African/African-American, 0.0013%; no homozygotes.

Submission:

GeneDx
Classification: Uncertain significance. Last evaluated: 2019-08-12. Review status: criteria provided, single submitter. Criteria: GeneDx Variant Classification Process June 2021. Collection method: clinical testing. Allele origin: germline. Affected: yes.
Comment: Not observed in large population cohorts (Lek et al., 2016); In silico analysis, which includes protein predictors and evolutionary conservation, supports a deleterious effect; Has not been previously published as pathogenic or benign to our knowledge

NM_144687.4(NLRP12):c.767A>C (p.Asn256Thr)

Gene: NLRP12 (NLR family pyrin domain containing 12; minus strand). Cytogenetic location: 19q13.42.
Variant type: single nucleotide variant.
Coding change: c.767A>C on transcript NM_144687.4 (MANE Select); coding-DNA position 767, A replaced by C.
Protein change: p.Asn256Thr; replaces asparagine 256 with threonine.
Molecular consequence: missense variant.
Genome position (GRCh38, 1-based): chr19:53,810,892, T>G on the plus strand (A>C on the coding strand, the complement: NLRP12 is on the minus strand). VCF-style: chr19-53810892-T-G. GRCh37 (hg19) VCF-style: chr19-54314146-T-G.
Other names: c.767A>C, p.Asn256Thr (NM_001277126.2, NM_001277129.1); short protein forms N256T.
Identifiers: ClinVar variation 1303681 (VCV001303681.2), dbSNP rs867156890, ClinGen allele CA310071031.